The following is an entry in ClinVar:

ClinVar aggregate classification (germline): Conflicting classifications of pathogenicity. Review status: criteria provided, conflicting classifications (1 of 4 stars). 2 submissions from 2 submitters: Uncertain significance (1); Likely benign (1). Last evaluated 2024-02-10.

Conditions:
Cardiovascular phenotype. Identifiers: MedGen CN230736.
Hypercholesterolemia, autosomal dominant, type B (FHCL2). Also called: APOB-Related Familial Hypercholesterolemia, Autosomal Dominant; Familial Hypercholesterolemia Type B; APOLIPOPROTEIN B-100, FAMILIAL DEFECTIVE; APOLIPOPROTEIN B-100, FAMILIAL LIGAND-DEFECTIVE; HYPERCHOLESTEROLEMIA, FAMILIAL, DUE TO LIGAND-DEFECTIVE APOLIPOPROTEIN B; Hyperlipoproteinemia Type IIb. Identifiers: MedGen C1704417, MONDO:0007751, OMIM 144010.
Familial hypobetalipoproteinemia 1. Also called: Hypobetalipoproteinemia, normotriglyceridemic; Acanthocytosis with hypobetalipoproteinemia; APOB-Related Familial Hypobetalipoproteinemia. Identifiers: MedGen C4551990, MONDO:0014252, OMIM 615558.

Allele frequency attached by ClinVar (database versions not stated): gnomAD exomes below 0.00001; TOPMed below 0.00001; ExAC 0.00001.
gnomAD v4.1: 1 of 1,613,444 alleles (0.000062%); highest among the groups gnomAD compares: Admixed American, 0.0017%; no homozygotes.

Submissions (2):

Ambry Genetics
Classification: Uncertain significance for Cardiovascular phenotype. Last evaluated: 2024-02-10. Review status: criteria provided, single submitter. Criteria: Ambry Variant Classification Scheme 2023. Collection method: clinical testing. Allele origin: germline.
Comment: The p.A2858V variant (also known as c.8573C>T), located in coding exon 26 of the APOB gene, results from a C to T substitution at nucleotide position 8573. The alanine at codon 2858 is replaced by valine, an amino acid with similar properties. This amino acid position is conserved. In addition, this alteration is predicted to be tolerated by in silico analysis. Based on the available evidence, the clinical significance of this alteration remains unclear.

Labcorp Genetics (formerly Invitae), Labcorp
Classification: Likely benign for Familial hypobetalipoproteinemia 1; Hypercholesterolemia, autosomal dominant, type B. Last evaluated: 2023-11-02. Review status: criteria provided, single submitter. Criteria: Invitae Variant Classification Sherloc (09022015). Collection method: clinical testing. Allele origin: germline.

NM_000384.3(APOB):c.8573C>T (p.Ala2858Val)

Gene: APOB (apolipoprotein B; minus strand). Cytogenetic location: 2p24.1.
Variant type: single nucleotide variant.
Coding change: c.8573C>T on transcript NM_000384.3 (MANE Select); coding-DNA position 8573, C replaced by T.
Protein change: p.Ala2858Val; replaces alanine 2858 with valine.
Molecular consequence: missense variant.
Genome position (GRCh38, 1-based): chr2:21,008,295, G>A on the plus strand (C>T on the coding strand, the complement: APOB is on the minus strand). VCF-style: chr2-21008295-G-A. GRCh37 (hg19) VCF-style: chr2-21231167-G-A.
Other names: c.8573C>T (NM_000384.2); short protein forms A2858V.
Identifiers: ClinVar variation 2928229 (VCV002928229.4), dbSNP rs749458540, ClinGen allele CA065805.